The following is an entry in ClinVar:

ClinVar aggregate classification (germline): Uncertain significance (1 of 4 stars; one submission).

Submission:

GeneDx
Classification: Uncertain significance. Last evaluated: 2024-08-13. Review status: criteria provided, single submitter. Criteria: GeneDx Variant Classification Process June 2021. Collection method: clinical testing. Allele origin: germline.
Comment: Not observed at significant frequency in large population cohorts (gnomAD); In silico analysis supports that this missense variant has a deleterious effect on protein structure/function; Has not been previously published as pathogenic or benign to our knowledge

NM_012154.5(AGO2):c.2375G>A (p.Arg792His)

Gene: AGO2 (argonaute RISC catalytic component 2; minus strand). Cytogenetic location: 8q24.3.
Variant type: single nucleotide variant.
Coding change: c.2375G>A on transcript NM_012154.5 (MANE Select); coding-DNA position 2375, G replaced by A.
Protein change: p.Arg792His; replaces arginine 792 with histidine.
Molecular consequence: missense variant.
Genome position (GRCh38, 1-based): chr8:140,532,512, C>T on the plus strand (G>A on the coding strand, the complement: AGO2 is on the minus strand). VCF-style: chr8-140532512-C-T. GRCh37 (hg19) VCF-style: chr8-141542611-C-T.
Other names: c.2273G>A, p.Arg758His (NM_001164623.3); short protein forms R758H, R792H.
Identifiers: ClinVar variation 3252789 (VCV003252789.3), dbSNP rs2540672331.